The following is an entry in ClinVar:

ClinVar aggregate classification (germline): Likely benign (0 of 4 stars; one submission).

Conditions:
DNAH7-related disorder. Also called: DNAH7-related condition.

gnomAD v4.1: 1 of 1,614,128 alleles (0.000062%); highest among the groups gnomAD compares: Non-Finnish European, 0.000085%; no homozygotes.

Submission:

PreventionGenetics, part of Exact Sciences
Classification: Likely benign for DNAH7-related condition. Last evaluated: 2024-03-11. Review status: no assertion criteria provided. Collection method: clinical testing. Allele origin: germline.
Comment: This variant is classified as likely benign based on ACMG/AMP sequence variant interpretation guidelines (Richards et al. 2015 PMID: 25741868, with internal and published modifications).

NM_018897.3(DNAH7):c.7473T>C (p.Ala2491=)

Gene: DNAH7 (dynein axonemal heavy chain 7; minus strand). Cytogenetic location: 2q32.3.
Variant type: single nucleotide variant.
Coding change: c.7473T>C on transcript NM_018897.3 (MANE Select); coding-DNA position 7473, T replaced by C.
Protein change: p.Ala2491=; no amino-acid change (alanine 2491 retained).
Molecular consequence: synonymous variant.
Genome position (GRCh38, 1-based): chr2:195,864,182, A>G on the plus strand (T>C on the coding strand, the complement: DNAH7 is on the minus strand). VCF-style: chr2-195864182-A-G. GRCh37 (hg19) VCF-style: chr2-196728906-A-G.
Identifiers: ClinVar variation 3351621 (VCV003351621.1).
Genomic context (GRCh38, chr2:195,864,182, plus strand): 5'-GTCTATCTAAAATGTACATGACAATACCTGAAACCAGTCAATGGTACAGCAGTTAACAAG[A>G]GCAGGGAACTTTCTAAGACGATTCCGAAATGCATCTCCAATGGGACTCATGGCAAGGACC-3'
Protein context (NP_061720.2, residues 2481-2501): AFRNRLRKFP[Ala2491=]LVNCCTIDWF